The following is an entry in ClinVar:

NM_001846.4(COL4A2):c.286C>T (p.Pro96Ser)

Gene: COL4A2 (collagen type IV alpha 2 chain; plus strand). Cytogenetic location: 13q34.
Variant type: single nucleotide variant.
Coding change: c.286C>T on transcript NM_001846.4 (MANE Select); coding-DNA position 286, C replaced by T.
Protein change: p.Pro96Ser; replaces proline 96 with serine.
Molecular consequence: missense variant.
Genome position (GRCh38, 1-based): chr13:110,424,839, C>T. VCF-style: chr13-110424839-C-T. GRCh37 (hg19) VCF-style: chr13-111077186-C-T.
Other names: short protein forms P96S.
Identifiers: ClinVar variation 1027967 (VCV001027967.1), dbSNP rs1880406303, ClinGen allele CA388728086.

ClinVar aggregate classification (germline): Uncertain significance (1 of 4 stars; one submission).

Conditions:
Brain small vessel disease 2A, autosomal dominant. Also called: Porencephaly 2. Identifiers: Orphanet 2940, Orphanet 99810, MedGen C3280970, MONDO:0013773, OMIM 614483.

Submission:

Baylor Genetics
Classification: Uncertain significance for Brain small vessel disease 2A, autosomal dominant. Last evaluated: 2020-05-05. Review status: criteria provided, single submitter. Criteria: ACMG Guidelines, 2015. Collection method: clinical testing. Allele origin: unknown. Affected: yes.
Comment: This variant was determined to be of uncertain significance according to ACMG Guidelines, 2015 [PMID:25741868].